The following is an entry in ClinVar:

NM_001101426.4(CRPPA):c.752A>G (p.Lys251Arg)

Gene: CRPPA (CDP-L-ribitol pyrophosphorylase A; minus strand). Cytogenetic location: 7p21.2.
Variant type: single nucleotide variant.
Coding change: c.752A>G on transcript NM_001101426.4 (MANE Select); coding-DNA position 752, A replaced by G.
Protein change: p.Lys251Arg; replaces lysine 251 with arginine.
Molecular consequence: missense variant. On other transcripts: intron variant (1).
Genome position (GRCh38, 1-based): chr7:16,308,560, T>C on the plus strand (A>G on the coding strand, the complement: CRPPA is on the minus strand). VCF-style: chr7-16308560-T-C. GRCh37 (hg19) VCF-style: chr7-16348185-T-C.
Other names: c.602A>G, p.Lys201Arg (NM_001101417.4); c.685-7094A>G (NM_001368197.1); short protein forms K201R, K251R.
Identifiers: ClinVar variation 3373741 (VCV003373741.1).

ClinVar aggregate classification (germline): Uncertain significance (1 of 4 stars; one submission).

gnomAD v4.1: 3 of 1,610,948 alleles (0.00019%); highest among the groups gnomAD compares: Non-Finnish European, 0.00025%; no homozygotes.

Submission:

GeneDx
Classification: Uncertain significance. Last evaluated: 2024-03-08. Review status: criteria provided, single submitter. Criteria: GeneDx Variant Classification Process June 2021. Collection method: clinical testing. Allele origin: germline. Affected: yes.
Comment: Not observed at significant frequency in large population cohorts (gnomAD); In silico analysis supports that this missense variant does not alter protein structure/function; Has not been previously published as pathogenic or benign to our knowledge; This variant is associated with the following publications: (PMID: 26687144)